The following is an entry in ClinVar:

ClinVar aggregate classification (germline): Uncertain significance (1 of 4 stars; one submission).

Conditions:
PGM1-congenital disorder of glycosylation. Also called: GLYCOGEN STORAGE DISEASE XIV; GSD XIV; CDG It; PHOSPHOGLUCOMUTASE 1 DEFICIENCY; PGM1 DEFICIENCY; Congenital disorder of glycosylation type 1t. Identifiers: Orphanet 319646, MedGen C2752015, MONDO:0013968, OMIM 614921.

Allele frequency attached by ClinVar (database versions not stated): TOPMed below 0.00001.

Submission:

Labcorp Genetics (formerly Invitae), Labcorp
Classification: Uncertain significance for PGM1-congenital disorder of glycosylation. Last evaluated: 2022-11-01. Review status: criteria provided, single submitter. Criteria: Invitae Variant Classification Sherloc (09022015). Collection method: clinical testing. Allele origin: germline.
Comment: In summary, the available evidence is currently insufficient to determine the role of this variant in disease. Therefore, it has been classified as a Variant of Uncertain Significance. Variants that disrupt the consensus splice site are a relatively common cause of aberrant splicing (PMID: 17576681, 9536098). Algorithms developed to predict the effect of sequence changes on RNA splicing suggest that this variant may disrupt the consensus splice site. This variant has not been reported in the literature in individuals affected with PGM1-related conditions. This variant is not present in population databases (gnomAD no frequency). This sequence change falls in intron 5 of the PGM1 gene. It does not directly change the encoded amino acid sequence of the PGM1 protein. It affects a nucleotide within the consensus splice site.

Literature cited by the submitters: PubMed 17576681; PubMed 9536098.

NM_002633.3(PGM1):c.873+5G>T

Gene: PGM1 (phosphoglucomutase 1; plus strand). Cytogenetic location: 1p31.3.
Variant type: single nucleotide variant.
Coding change: c.873+5G>T on transcript NM_002633.3 (MANE Select); 5 bases into the intron after coding-DNA position 873, G replaced by T.
Molecular consequence: intron variant.
Genome position (GRCh38, 1-based): chr1:63,635,024, G>T. VCF-style: chr1-63635024-G-T. GRCh37 (hg19) VCF-style: chr1-64100695-G-T.
Other names: c.282+5G>T (NM_001172819.2); c.927+5G>T (NM_001172818.1).
Identifiers: ClinVar variation 2189811 (VCV002189811.4), dbSNP rs1649326823, ClinGen allele CA1171573532.